The following is an entry in ClinVar:

NC_000003.12:g.(?_4362134)_(4376399_?)del

Gene: SUMF1 (sulfatase modifying factor 1; minus strand). Cytogenetic location: 3p26.1.
Variant type: Deletion.
Identifiers: ClinVar variation 833272 (VCV000833272.5).

ClinVar aggregate classification (germline): Pathogenic (1 of 4 stars; one submission).

Conditions:
Multiple sulfatase deficiency (MSD). Also called: Multiple Sulfatase Deficiency Disease; Sulfatidosis, Juvenile, Austin Type; Mucosulfatidosis. Identifiers: Orphanet 585, MedGen C0268263, MONDO:0010088, OMIM 272200.

Submission:

Labcorp Genetics (formerly Invitae), Labcorp
Classification: Pathogenic for Multiple sulfatase deficiency. Last evaluated: 2022-09-13. Review status: criteria provided, single submitter. Criteria: Invitae Variant Classification Sherloc (09022015). Collection method: clinical testing. Allele origin: germline.
Comment: This variant is a gross deletion of the genomic region encompassing exon(s) 8-9 of the SUMF1 gene, which includes the termination codon. This deletion extends beyond the assayed region for this gene and therefore may encompass additional genes. While this deletion is not anticipated to lead to nonsense mediated decay, it is expected to alter mRNA translation or result in a truncated protein product. A similar copy number variant has been observed in individual(s) with multiple sulfatase deficiency (PMID: 29397290). This variant disrupts the p.Arg349 amino acid residue in SUMF1. Other variant(s) that disrupt this residue have been determined to be pathogenic (PMID: 12757706, 15146462, 25373814). This suggests that this residue is clinically significant, and that variants that disrupt this residue are likely to be disease-causing. For these reasons, this variant has been classified as Pathogenic.

Literature cited by the submitters: PubMed 29397290; PubMed 12757706; PubMed 15146462; PubMed 25373814.